The following is an entry in ClinVar:

ClinVar aggregate classification (germline): Uncertain significance (1 of 4 stars; one submission).

Submission:

GeneDx
Classification: Uncertain significance. Last evaluated: 2025-03-18. Review status: criteria provided, single submitter. Criteria: GeneDx Variant Classification Process June 2021. Collection method: clinical testing. Allele origin: germline. Affected: yes.
Comment: Not observed at significant frequency in large population cohorts (gnomAD); In silico analysis indicates that this variant does not alter protein structure/function; Has not been previously published as pathogenic or benign to our knowledge

NM_015937.6(PIGT):c.20_22delinsCTT (p.Leu7_Ala8delinsProSer)

Gene: PIGT (phosphatidylinositol glycan anchor biosynthesis class T; plus strand). Cytogenetic location: 20q13.12.
Variant type: Indel.
Coding change: c.20_22delinsCTT on transcript NM_015937.6 (MANE Select); coding-DNA positions 20 to 22, TTG replaced by CTT.
Protein change: p.Leu7_Ala8delinsProSer.
Molecular consequence: missense variant. On other transcripts: non-coding transcript variant (5).
Genome position (GRCh38, 1-based): chr20:45,416,176-45,416,178, TTG replaced by CTT. VCF-style: chr20-45416176-TTG-CTT. GRCh37 (hg19) VCF-style: chr20-44044816-TTG-CTT.
Other names: c.20_22delinsCTT, p.Leu7_Ala8delinsProSer (NM_001184728.3, NM_001184729.3, NM_001184730.3).
Identifiers: ClinVar variation 4086374 (VCV004086374.1).